The following is an entry in ClinVar:

NM_002292.4(LAMB2):c.1261G>A (p.Gly421Ser)

Gene: LAMB2 (laminin subunit beta 2; minus strand). Cytogenetic location: 3p21.31.
Variant type: single nucleotide variant.
Coding change: c.1261G>A on transcript NM_002292.4 (MANE Select); coding-DNA position 1261, G replaced by A.
Protein change: p.Gly421Ser; replaces glycine 421 with serine.
Molecular consequence: missense variant.
Genome position (GRCh38, 1-based): chr3:49,129,983, C>T on the plus strand (G>A on the coding strand, the complement: LAMB2 is on the minus strand). VCF-style: chr3-49129983-C-T. GRCh37 (hg19) VCF-style: chr3-49167416-C-T.
Other names: short protein forms G421S.
Identifiers: ClinVar variation 851053 (VCV000851053.4), dbSNP rs762273762, ClinGen allele CA2394641.

ClinVar aggregate classification (germline): Uncertain significance. Review status: criteria provided, multiple submitters, no conflicts (2 of 4 stars). 2 submissions from 2 submitters: Uncertain significance (2). Last evaluated 2024-01-31.

Conditions:
LAMB2-related infantile-onset nephrotic syndrome. Also called: NEPHROTIC SYNDROME, TYPE 5, WITHOUT OCULAR ABNORMALITIES; NEPHROTIC SYNDROME, TYPE 5, WITH OCULAR ABNORMALITIES; Nephrotic Syndrome, type 5. Identifiers: Orphanet 306507, MedGen C3280113, MONDO:0013621, OMIM 614199.
Pierson syndrome. Also called: MICROCORIA-CONGENITAL NEPHROTIC SYNDROME. Identifiers: Orphanet 2670, MedGen C1836876, MONDO:0012184, OMIM 609049.
Inborn genetic diseases. Identifiers: MedGen C0950123, MeSH D030342.

Allele frequency attached by ClinVar (database versions not stated): ExAC 0.00001; gnomAD 0.00001; gnomAD exomes 0.00001 and 0.00002; TOPMed 0.00002.

Submissions (2):

Ambry Genetics
Classification: Uncertain significance for Inborn genetic diseases. Last evaluated: 2024-01-31. Review status: criteria provided, single submitter. Criteria: Ambry Variant Classification Scheme 2023. Collection method: clinical testing. Allele origin: germline.

Labcorp Genetics (formerly Invitae), Labcorp
Classification: Uncertain significance for LAMB2-related infantile-onset nephrotic syndrome; Pierson syndrome. Last evaluated: 2022-06-08. Review status: criteria provided, single submitter. Criteria: Invitae Variant Classification Sherloc (09022015). Collection method: clinical testing. Allele origin: germline.
Comment: This sequence change replaces glycine, which is neutral and non-polar, with serine, which is neutral and polar, at codon 421 of the LAMB2 protein (p.Gly421Ser). This variant is present in population databases (rs762273762, gnomAD 0.003%). This variant has not been reported in the literature in individuals affected with LAMB2-related conditions. ClinVar contains an entry for this variant (Variation ID: 851053). Algorithms developed to predict the effect of missense changes on protein structure and function (SIFT, PolyPhen-2, Align-GVGD) all suggest that this variant is likely to be disruptive. In summary, the available evidence is currently insufficient to determine the role of this variant in disease. Therefore, it has been classified as a Variant of Uncertain Significance.